The following is an entry in ClinVar:

NM_000122.2(ERCC3):c.521+3A>C

Gene: ERCC3 (ERCC excision repair 3, TFIIH core complex helicase subunit; minus strand). Cytogenetic location: 2q14.3.
Variant type: single nucleotide variant.
Coding change: c.521+3A>C on transcript NM_000122.2 (MANE Select); 3 bases into the intron after coding-DNA position 521, A replaced by C.
Molecular consequence: intron variant.
Genome position (GRCh38, 1-based): chr2:127,290,221, T>G on the plus strand (A>C on the coding strand, the complement: ERCC3 is on the minus strand). VCF-style: chr2-127290221-T-G. GRCh37 (hg19) VCF-style: chr2-128047797-T-G.
Other names: c.329+3A>C (NM_001303416.2, NM_001303418.2).
Identifiers: ClinVar variation 1384209 (VCV001384209.6), dbSNP rs1191350523, ClinGen allele CA756622753.

ClinVar aggregate classification (germline): Uncertain significance (1 of 4 stars; one submission).

Allele frequency attached by ClinVar (database versions not stated): gnomAD exomes below 0.00001; TOPMed below 0.00001; gnomAD 0.00001.
gnomAD v4.1: 4 of 1,613,028 alleles (0.00025%); highest among the groups gnomAD compares: African/African-American, 0.0013%; no homozygotes.

Submissions (2):

Labcorp Genetics (formerly Invitae), Labcorp
Classification: Uncertain significance. Last evaluated: 2022-06-13. Review status: criteria provided, single submitter. Criteria: Invitae Variant Classification Sherloc (09022015). Collection method: clinical testing. Allele origin: germline.
Comment: In summary, the available evidence is currently insufficient to determine the role of this variant in disease. Therefore, it has been classified as a Variant of Uncertain Significance. Variants that disrupt the consensus splice site are a relatively common cause of aberrant splicing (PMID: 17576681, 9536098). Algorithms developed to predict the effect of sequence changes on RNA splicing suggest that this variant may disrupt the consensus splice site. This variant has not been reported in the literature in individuals affected with ERCC3-related conditions. This variant is not present in population databases (gnomAD no frequency). This sequence change falls in intron 4 of the ERCC3 gene. It does not directly change the encoded amino acid sequence of the ERCC3 protein. It affects a nucleotide within the consensus splice site.

Dr. Peter K. Rogan Lab, Western University
No classification provided (evidence only). Condition: Familial cancer of breast. Review status: no classification provided. Collection method: in vitro. Allele origin: not applicable. Functional consequence: skipped exon. Not counted in ClinVar's aggregate classification.

Literature cited by the submitters: PubMed 17576681 (cited by Labcorp Genetics (formerly Invitae), Labcorp); PubMed 9536098 (cited by Labcorp Genetics (formerly Invitae), Labcorp).